The following is an entry in ClinVar:

NM_001735.3(C5):c.1997-10A>G

Gene: C5 (complement C5; minus strand). Cytogenetic location: 9q33.2.
Variant type: single nucleotide variant.
Coding change: c.1997-10A>G on transcript NM_001735.3 (MANE Select); 10 bases into the intron before coding-DNA position 1997, A replaced by G.
Molecular consequence: intron variant.
Genome position (GRCh38, 1-based): chr9:121,015,271, T>C on the plus strand (A>G on the coding strand, the complement: C5 is on the minus strand). VCF-style: chr9-121015271-T-C. GRCh37 (hg19) VCF-style: chr9-123777549-T-C.
Other names: c.2015-10A>G (NM_001317163.2); c.1997-10A>G (NM_001317164.2).
Identifiers: ClinVar variation 2187439 (VCV002187439.3), dbSNP rs1482339142, ClinGen allele CA590210293.

ClinVar aggregate classification (germline): Uncertain significance (1 of 4 stars; one submission).

Allele frequency attached by ClinVar (database versions not stated): gnomAD exomes below 0.00001; gnomAD 0.00003; TOPMed 0.00008.
gnomAD v4.1: 7 of 1,582,182 alleles (0.00044%); highest among the groups gnomAD compares: Admixed American, 0.005%; no homozygotes.

Submission:

Labcorp Genetics (formerly Invitae), Labcorp
Classification: Uncertain significance. Last evaluated: 2025-01-27. Review status: criteria provided, single submitter. Criteria: Invitae Variant Classification Sherloc (09022015). Collection method: clinical testing. Allele origin: germline.
Comment: This sequence change falls in intron 15 of the C5 gene. It does not directly change the encoded amino acid sequence of the C5 protein. This variant is present in population databases (no rsID available, gnomAD no frequency). This variant has not been reported in the literature in individuals affected with C5-related conditions. ClinVar contains an entry for this variant (Variation ID: 2187439). Algorithms developed to predict the effect of sequence changes on RNA splicing suggest that this variant may disrupt the consensus splice site. In summary, the available evidence is currently insufficient to determine the role of this variant in disease. Therefore, it has been classified as a Variant of Uncertain Significance.